The following is an entry in ClinVar:

NM_001110556.2(FLNA):c.7085G>A (p.Gly2362Glu)

Gene: FLNA (filamin A; minus strand). Cytogenetic location: Xq28.
Variant type: single nucleotide variant.
Coding change: c.7085G>A on transcript NM_001110556.2 (MANE Select); coding-DNA position 7085, G replaced by A.
Protein change: p.Gly2362Glu; replaces glycine 2362 with glutamic acid.
Molecular consequence: missense variant.
Genome position (GRCh38, 1-based): chrX:154,350,980, C>T on the plus strand (G>A on the coding strand, the complement: FLNA is on the minus strand). VCF-style: chrX-154350980-C-T. GRCh37 (hg19) VCF-style: chrX-153579348-C-T.
Other names: c.7061G>A, p.Gly2354Glu (NM_001456.4); short protein forms G2354E, G2362E.
Identifiers: ClinVar variation 3381470 (VCV003381470.1).

ClinVar aggregate classification (germline): Uncertain significance (1 of 4 stars; one submission).

Submission:

GeneDx
Classification: Uncertain significance. Last evaluated: 2024-05-03. Review status: criteria provided, single submitter. Criteria: GeneDx Variant Classification Process June 2021. Collection method: clinical testing. Allele origin: germline. Affected: yes.
Comment: Not observed at significant frequency in large population cohorts (gnomAD); In silico analysis supports that this missense variant has a deleterious effect on protein structure/function; Has not been previously published as pathogenic or benign to our knowledge